The following is an entry in ClinVar:

ClinVar aggregate classification (germline): Pathogenic (1 of 4 stars; one submission).

Conditions:
Charcot-Marie-Tooth disease axonal type 2C (HMSN2C). Also called: CHARCOT-MARIE-TOOTH DISEASE, AXONAL, AUTOSOMAL DOMINANT, TYPE 2C; Charcot-Marie-Tooth Neuropathy Type 2C; Charcot-Marie-Tooth Disease Type 2, TRPV4-Related (CMT2C). Identifiers: Orphanet 99937, MedGen C1853710, MONDO:0011633, OMIM 606071.

Submission:

Labcorp Genetics (formerly Invitae), Labcorp
Classification: Pathogenic for Charcot-Marie-Tooth disease axonal type 2C. Last evaluated: 2023-03-01. Review status: criteria provided, single submitter. Criteria: Invitae Variant Classification Sherloc (09022015). Collection method: clinical testing. Allele origin: germline.
Comment: This sequence change replaces cysteine, which is neutral and slightly polar, with tyrosine, which is neutral and polar, at codon 353 of the TRPV4 protein (p.Cys353Tyr). This variant is not present in population databases (gnomAD no frequency). This missense change has been observed in individual(s) with a clinical diagnosis of Charcot-Marie-Tooth disease and/or clinical features consistent with spondylometaphyseal dysplasia (PMID: 33060286, 33908178; Invitae). In at least one individual the variant was observed to be de novo. Advanced modeling of protein sequence and biophysical properties (such as structural, functional, and spatial information, amino acid conservation, physicochemical variation, residue mobility, and thermodynamic stability) has been performed at Invitae for this missense variant, however the output from this modeling did not meet the statistical confidence thresholds required to predict the impact of this variant on TRPV4 protein function. For these reasons, this variant has been classified as Pathogenic.

Literature cited by the submitters: PubMed 33060286; PubMed 33908178.

NM_021625.5(TRPV4):c.1058G>A (p.Cys353Tyr)

Gene: TRPV4 (transient receptor potential cation channel subfamily V member 4; minus strand). Cytogenetic location: 12q24.11.
Variant type: single nucleotide variant.
Coding change: c.1058G>A on transcript NM_021625.5 (MANE Select); coding-DNA position 1058, G replaced by A.
Protein change: p.Cys353Tyr; replaces cysteine 353 with tyrosine.
Molecular consequence: missense variant.
Genome position (GRCh38, 1-based): chr12:109,798,708, C>T on the plus strand (G>A on the coding strand, the complement: TRPV4 is on the minus strand). VCF-style: chr12-109798708-C-T. GRCh37 (hg19) VCF-style: chr12-110236513-C-T.
Other names: c.917G>A, p.Cys306Tyr (NM_001177428.2, NM_001177433.2); c.956G>A, p.Cys319Tyr (NM_001177431.2); c.1058G>A, p.Cys353Tyr (NM_147204.3); short protein forms C306Y, C319Y, C353Y.
Identifiers: ClinVar variation 2780255 (VCV002780255.3), dbSNP rs961707608, ClinGen allele CA386654351.